The following is an entry in ClinVar:

ClinVar aggregate classification (germline): Uncertain significance (1 of 4 stars; one submission).

Conditions:
Cardiac arrhythmia. Also called: Cardiac rhythm disease; Arrhythmia. Identifiers: MedGen C0003811, MONDO:0007263, HP:0011675.

Submission:

Labcorp Genetics (formerly Invitae), Labcorp
Classification: Uncertain significance for Cardiac arrhythmia. Last evaluated: 2022-03-20. Review status: criteria provided, single submitter. Criteria: Invitae Variant Classification Sherloc (09022015). Collection method: clinical testing. Allele origin: germline.
Comment: In summary, the available evidence is currently insufficient to determine the role of this variant in disease. Therefore, it has been classified as a Variant of Uncertain Significance. Algorithms developed to predict the effect of missense changes on protein structure and function are either unavailable or do not agree on the potential impact of this missense change (SIFT: "Not Available"; PolyPhen-2: "Probably Damaging"; Align-GVGD: "Not Available"). This variant has not been reported in the literature in individuals affected with RANGRF-related conditions. Information on the frequency of this variant in the gnomAD database is not available, as this variant may be reported differently in the database. This sequence change replaces glutamic acid, which is acidic and polar, with leucine, which is neutral and non-polar, at codon 53 of the RANGRF protein (p.Glu53Leu).

NM_016492.5(RANGRF):c.157_158delinsTT (p.Glu53Leu)

Genes: RANGRF (RAN guanine nucleotide release factor; plus strand), SLC25A35 (solute carrier family 25 member 35; minus strand), LOC130060241 (ATAC-STARR-seq lymphoblastoid active region 11693; plus strand). Cytogenetic location: 17p13.1.
Variant type: Indel.
Coding change: c.157_158delinsTT on transcript NM_016492.5 (MANE Select); coding-DNA positions 157 to 158, GA replaced by TT.
Protein change: p.Glu53Leu; replaces glutamic acid 53 with leucine.
Molecular consequence: missense variant. On other transcripts: 3 prime UTR variant (2), non-coding transcript variant (2), intron variant (1).
Genome position (GRCh38, 1-based): chr17:8,289,035-8,289,036, GA replaced by TT. VCF-style: chr17-8289035-GA-TT. GRCh37 (hg19) VCF-style: chr17-8192353-GA-TT.
Other names: c.157_158delinsTT, p.Glu53Leu (NM_001177801.2, NM_001177802.2, NM_001330127.2); c.*447_*448delinsAA (NM_001320872.2); c.*580_*581delinsAA (NM_201520.3); c.*42+538_*42+539delinsAA (NM_001320871.2); short protein forms E53L.
Identifiers: ClinVar variation 2115057 (VCV002115057.4), dbSNP rs2543865678, ClinGen allele CA2580094926.